The following is an entry in ClinVar:

ClinVar aggregate classification (germline): Uncertain significance. Review status: criteria provided, multiple submitters, no conflicts (2 of 4 stars). 3 submissions from 3 submitters: Uncertain significance (2). 1 of the submissions does not count toward it. Last evaluated 2022-05-25.

Conditions:
Retinitis pigmentosa 25 (RP25). Identifiers: Orphanet 791, MedGen C1864446, MONDO:0011272, OMIM 602772.

Allele frequency attached by ClinVar (database versions not stated): TOPMed below 0.00001.
gnomAD v4.1: 5 of 1,551,618 alleles (0.00032%); highest among the groups gnomAD compares: Non-Finnish European, 0.00044%; no homozygotes.

Submissions (3):

Labcorp Genetics (formerly Invitae), Labcorp
Classification: Uncertain significance. Last evaluated: 2022-05-25. Review status: criteria provided, single submitter. Criteria: Invitae Variant Classification Sherloc (09022015). Collection method: clinical testing. Allele origin: germline.
Comment: This sequence change replaces valine, which is neutral and non-polar, with methionine, which is neutral and non-polar, at codon 2944 of the EYS protein (p.Val2944Met). This variant is not present in population databases (gnomAD no frequency). This variant has not been reported in the literature in individuals affected with EYS-related conditions. ClinVar contains an entry for this variant (Variation ID: 863676). Algorithms developed to predict the effect of missense changes on protein structure and function are either unavailable or do not agree on the potential impact of this missense change (SIFT: "Tolerated"; PolyPhen-2: "Possibly Damaging"; Align-GVGD: "Class C0"). In summary, the available evidence is currently insufficient to determine the role of this variant in disease. Therefore, it has been classified as a Variant of Uncertain Significance.

Blueprint Genetics
Classification: Uncertain significance. Last evaluated: 2022-05-10. Review status: criteria provided, single submitter. Criteria: ACMG Guidelines, 2015. Collection method: clinical testing. Allele origin: germline.

Natera, Inc.
Classification: Uncertain significance for Retinitis pigmentosa type 25. Last evaluated: 2020-01-24. Review status: no assertion criteria provided. Collection method: clinical testing. Allele origin: germline. Not counted in ClinVar's aggregate classification.

NM_001142800.2(EYS):c.8830G>A (p.Val2944Met)

Genes: EYS (EGF-like photoreceptor maintenance factor; minus strand), PHF3 (PHD finger protein 3; plus strand). Cytogenetic location: 6q12.
Variant type: single nucleotide variant.
Coding change: c.8830G>A on transcript NM_001142800.2 (MANE Select); coding-DNA position 8830, G replaced by A.
Protein change: p.Val2944Met; replaces valine 2944 with methionine.
Molecular consequence: missense variant. On other transcripts: 3 prime UTR variant (5).
Genome position (GRCh38, 1-based): chr6:63,721,201, C>T on the plus strand (G>A on the coding strand, the complement: EYS is on the minus strand). VCF-style: chr6-63721201-C-T. GRCh37 (hg19) VCF-style: chr6-64431097-C-T.
Other names: c.*7493C>T (NM_001290259.2, NM_001370348.2, NM_001370349.2 and 2 more transcripts); c.8893G>A, p.Val2965Met (NM_001292009.2); short protein forms V2965M, V2944M.
Identifiers: ClinVar variation 863676 (VCV000863676.6), dbSNP rs1335320588, ClinGen allele CA364383879.
Genomic context (GRCh38, chr6:63,721,201, plus strand): 5'-AAGAATTACCCATAAATTTTGCAGTTGAAAATGAAGTTTTGTTTTCACAATACCTTCCCA[C>T]CCAACCCAAAGTACACAGGCAACTGTAAGAAAATGATTGGTCAGGTATACATAAAGATTG-3'
Protein context (NP_001136272.1, residues 2934-2954): SYSCLCTLGW[Val2944Met]GRYCENKTSF